The following is an entry in ClinVar:

ClinVar aggregate classification (germline): Likely benign. Review status: criteria provided, multiple submitters, no conflicts (2 of 4 stars). 3 submissions from 3 submitters: Likely benign (2). 1 of the submissions does not count toward it. Last evaluated 2026-01-24.

Conditions:
RECQL4-related disorder. Also called: RECQL4-related condition; RECQL4-related disorders.
Inborn genetic diseases. Identifiers: MedGen C0950123, MeSH D030342.
Baller-Gerold syndrome (BGS). Also called: CRANIOSYNOSTOSIS WITH RADIAL DEFECTS. Identifiers: Orphanet 1225, MedGen C0265308, MONDO:0009039, OMIM 218600.

Allele frequency attached by ClinVar (database versions not stated): gnomAD exomes 0.00002; gnomAD 0.00025 and 0.00028; TOPMed 0.00027.
gnomAD v4.1: 63 of 1,262,060 alleles (0.005%); highest among the groups gnomAD compares: African/African-American, 0.086%; no homozygotes.

Submissions (3):

Labcorp Genetics (formerly Invitae), Labcorp
Classification: Likely benign for Baller-Gerold syndrome. Last evaluated: 2026-01-24. Review status: criteria provided, single submitter. Criteria: Invitae Variant Classification Sherloc (09022015). Collection method: clinical testing. Allele origin: germline.

Ambry Genetics
Classification: Likely benign for Inborn genetic diseases. Last evaluated: 2024-11-30. Review status: criteria provided, single submitter. Criteria: Ambry Variant Classification Scheme 2023. Collection method: clinical testing. Allele origin: germline.

PreventionGenetics, part of Exact Sciences
Classification: Likely benign for RECQL4-related condition. Last evaluated: 2023-08-29. Review status: no assertion criteria provided. Collection method: clinical testing. Allele origin: germline. Not counted in ClinVar's aggregate classification.
Comment: This variant is classified as likely benign based on ACMG/AMP sequence variant interpretation guidelines (Richards et al. 2015 PMID: 25741868, with internal and published modifications).

NM_004260.4(RECQL4):c.10C>T (p.Leu4=)

Genes: RECQL4 (RecQ like helicase 4; minus strand), LOC130001411 (ATAC-STARR-seq lymphoblastoid silent region 19699; plus strand). Cytogenetic location: 8q24.3.
Variant type: single nucleotide variant.
Coding change: c.10C>T on transcript NM_004260.4 (MANE Select); coding-DNA position 10, C replaced by T.
Protein change: p.Leu4=; no amino-acid change (leucine 4 retained).
Molecular consequence: synonymous variant.
Genome position (GRCh38, 1-based): chr8:144,517,775, G>A on the plus strand (C>T on the coding strand, the complement: RECQL4 is on the minus strand). VCF-style: chr8-144517775-G-A. GRCh37 (hg19) VCF-style: chr8-145743159-G-A.
Identifiers: ClinVar variation 239692 (VCV000239692.14), dbSNP rs878854640, ClinGen allele CA10582574.